The following is an entry in ClinVar:

ClinVar aggregate classification (germline): Likely benign (0 of 4 stars; one submission).

Conditions:
ANKK1-related disorder. Also called: ANKK1-related condition.

Allele frequency attached by ClinVar (database versions not stated): ExAC 0.00018; gnomAD 0.00021; TOPMed 0.00021; ESP Exome Variant Server 0.00032; 1000 Genomes Project 0.00040; 1000 Genomes Project 30x 0.00047.
gnomAD v4.1: 494 of 1,600,260 alleles (0.031%); highest among the groups gnomAD compares: Non-Finnish European, 0.039%; no homozygotes.

Submission:

PreventionGenetics, part of Exact Sciences
Classification: Likely benign for ANKK1-related condition. Last evaluated: 2019-08-13. Review status: no assertion criteria provided. Collection method: clinical testing. Allele origin: germline.
Comment: This variant is classified as likely benign based on ACMG/AMP sequence variant interpretation guidelines (Richards et al. 2015 PMID: 25741868, with internal and published modifications).

NM_178510.2(ANKK1):c.1350C>T (p.His450=)

Gene: ANKK1 (ankyrin repeat and kinase domain containing 1; plus strand). Cytogenetic location: 11q23.2.
Variant type: single nucleotide variant.
Coding change: c.1350C>T on transcript NM_178510.2 (MANE Select); coding-DNA position 1350, C replaced by T.
Protein change: p.His450=; no amino-acid change (histidine 450 retained).
Molecular consequence: synonymous variant.
Genome position (GRCh38, 1-based): chr11:113,399,319, C>T. VCF-style: chr11-113399319-C-T. GRCh37 (hg19) VCF-style: chr11-113270041-C-T.
Identifiers: ClinVar variation 3035757 (VCV003035757.2), dbSNP rs56005821, ClinGen allele CA6280930.